The following is an entry in ClinVar:

ClinVar aggregate classification (germline): Uncertain significance (1 of 4 stars; one submission).

gnomAD v4.1: 1 of 1,608,414 alleles (0.000062%); highest among the groups gnomAD compares: Non-Finnish European, 0.000085%; no homozygotes.

Submission:

Dasa
Classification: Uncertain significance. Last evaluated: 2026-02-04. Review status: criteria provided, single submitter. Criteria: DASA Assertion Criteria. Collection method: clinical testing. Allele origin: germline.
Comment: NM_001318852.2(MAPK8IP3):c.2279A>T (p.Lys760Met) is a missense variant that results in the substitution of lysine with methionine. This variant is rare in population databases. The currently available literature and clinical evidence are not sufficient to establish a definitive association between this variant and the reported condition. Therefore, this variant is classified as a variant of uncertain significance.

NM_001318852.2(MAPK8IP3):c.2279A>T (p.Lys760Met)

Gene: MAPK8IP3 (mitogen-activated protein kinase 8 interacting protein 3; plus strand). Cytogenetic location: 16p13.3.
Variant type: single nucleotide variant.
Coding change: c.2279A>T on transcript NM_001318852.2 (MANE Select); coding-DNA position 2279, A replaced by T.
Protein change: p.Lys760Met; replaces lysine 760 with methionine.
Molecular consequence: missense variant.
Genome position (GRCh38, 1-based): chr16:1,764,458, A>T. VCF-style: chr16-1764458-A-T. GRCh37 (hg19) VCF-style: chr16-1814459-A-T.
Other names: c.2258A>T, p.Lys753Met (NM_001040439.2); c.2276A>T, p.Lys759Met (NM_015133.5); short protein forms K753M, K759M, K760M.
Identifiers: ClinVar variation 4880897 (VCV004880897.2).